The following is an entry in ClinVar:

ClinVar aggregate classification (germline): Uncertain significance (1 of 4 stars; one submission).

Conditions:
CD93-related disorder. Also called: CD93-related condition.

Allele frequency attached by ClinVar (database versions not stated): ExAC 0.00007; gnomAD 0.00007; TOPMed 0.00008.

Submission:

PreventionGenetics, part of Exact Sciences
Classification: Uncertain significance for CD93-related condition. Last evaluated: 2023-05-05. Review status: criteria provided, single submitter. Criteria: ACMG Guidelines, 2015. Collection method: clinical testing. Allele origin: germline.
Comment: The CD93 c.1900C>T variant is predicted to result in premature protein termination (p.Arg634*). To our knowledge, this variant has not been reported in the literature. This variant is reported in 0.023% of alleles in individuals of South Asian descent in gnomAD. Of note, loss of function variants have not commonly been reported in the CD93 gene. At this time, the clinical significance of this variant is uncertain due to the absence of conclusive functional and genetic evidence.

NM_012072.4(CD93):c.1900C>T (p.Arg634Ter)

Gene: CD93 (CD93 molecule; minus strand). Cytogenetic location: 20p11.21.
Variant type: single nucleotide variant.
Coding change: c.1900C>T on transcript NM_012072.4 (MANE Select); coding-DNA position 1900, C replaced by T.
Protein change: p.Arg634Ter; replaces arginine 634 with a stop codon.
Molecular consequence: nonsense.
Genome position (GRCh38, 1-based): chr20:23,084,293, G>A on the plus strand (C>T on the coding strand, the complement: CD93 is on the minus strand). VCF-style: chr20-23084293-G-A. GRCh37 (hg19) VCF-style: chr20-23064930-G-A.
Other names: short protein forms R634*.
Identifiers: ClinVar variation 2634918 (VCV002634918.1), dbSNP rs753827669, ClinGen allele CA9787891.